The following is an entry in ClinVar:

ClinVar aggregate classification (germline): Benign. Review status: criteria provided, multiple submitters, no conflicts (2 of 4 stars). 2 submissions from 2 submitters: Benign (2). Last evaluated 2018-06-19.

Allele frequency attached by ClinVar (database versions not stated): 1000 Genomes Project 0.19569; gnomAD exomes 0.19854; 1000 Genomes Project 30x 0.20034; gnomAD 0.22560 and 0.22899; TOPMed 0.22797.
gnomAD v4.1: 316,156 of 1,571,384 alleles (20%); highest among the groups gnomAD compares: African/African-American, 32%; 33,525 homozygotes.

Submissions (2):

GeneDx
Classification: Benign. Last evaluated: 2018-06-19. Review status: criteria provided, single submitter. Criteria: GeneDx Variant Classification (06012015). Collection method: clinical testing. Allele origin: germline. Affected: yes.
Comment: This variant is considered likely benign or benign based on one or more of the following criteria: it is a conservative change, it occurs at a poorly conserved position in the protein, it is predicted to be benign by multiple in silico algorithms, and/or has population frequency not consistent with disease.

Breakthrough Genomics
Classification: Benign. Review status: criteria provided, single submitter. Criteria: ACMG Guidelines, 2015. Collection method: not provided. Allele origin: germline. Inheritance: Autosomal recessive inheritance. Affected: yes.

NM_207346.3(TSEN54):c.469-132A>G

Gene: TSEN54 (tRNA splicing endonuclease subunit 54; plus strand). Cytogenetic location: 17q25.1.
Variant type: single nucleotide variant.
Coding change: c.469-132A>G on transcript NM_207346.3 (MANE Select); 132 bases into the intron before coding-DNA position 469, A replaced by G.
Molecular consequence: intron variant.
Genome position (GRCh38, 1-based): chr17:75,518,863, A>G. VCF-style: chr17-75518863-A-G. GRCh37 (hg19) VCF-style: chr17-73514944-A-G.
Identifiers: ClinVar variation 670804 (VCV000670804.2), dbSNP rs62088466, ClinGen allele CA14411121.